The following is an entry in ClinVar:

ClinVar aggregate classification (germline): Uncertain significance. Review status: criteria provided, multiple submitters, no conflicts (2 of 4 stars). 2 submissions from 2 submitters: Uncertain significance (2). Last evaluated 2024-04-06.

Conditions:
Neuronopathy, distal hereditary motor, type 7A. Also called: Neuronopathy, distal hereditary motor, type viia; NEURONOPATHY, DISTAL HEREDITARY MOTOR, HARDING TYPE VIIA; NEUROPATHY, DISTAL HEREDITARY MOTOR, HARDING TYPE VIIA; Neuronopathy, distal hereditary motor, autosomal dominant 7; HARPER-YOUNG MYOPATHY; HMN VIIA. Identifiers: Orphanet 139589, MedGen C1834703, MONDO:0008024, OMIM 158580.
Congenital myasthenic syndrome 20. Also called: Myasthenic syndrome, congenital, 20, presynaptic. Identifiers: MedGen C4310694, MONDO:0014939, OMIM 617143.
Inborn genetic diseases. Identifiers: MedGen C0950123, MeSH D030342.

Allele frequency attached by ClinVar (database versions not stated): gnomAD 0.00001; gnomAD exomes 0.00001; ExAC 0.00002; 1000 Genomes Project 30x 0.00016; 1000 Genomes Project 0.00020.

Submissions (2):

Labcorp Genetics (formerly Invitae), Labcorp
Classification: Uncertain significance for Neuronopathy, distal hereditary motor, type 7A; Congenital myasthenic syndrome 20. Last evaluated: 2024-04-06. Review status: criteria provided, single submitter. Criteria: Invitae Variant Classification Sherloc (09022015). Collection method: clinical testing. Allele origin: germline.
Comment: This sequence change replaces leucine, which is neutral and non-polar, with serine, which is neutral and polar, at codon 246 of the SLC5A7 protein (p.Leu246Ser). This variant is present in population databases (rs575736868, gnomAD 0.02%). This variant has not been reported in the literature in individuals affected with SLC5A7-related conditions. ClinVar contains an entry for this variant (Variation ID: 1758610). Advanced modeling of protein sequence and biophysical properties (such as structural, functional, and spatial information, amino acid conservation, physicochemical variation, residue mobility, and thermodynamic stability) has been performed at Invitae for this missense variant, however the output from this modeling did not meet the statistical confidence thresholds required to predict the impact of this variant on SLC5A7 protein function. In summary, the available evidence is currently insufficient to determine the role of this variant in disease. Therefore, it has been classified as a Variant of Uncertain Significance.

Ambry Genetics
Classification: Uncertain significance for Inborn genetic diseases. Last evaluated: 2022-08-02. Review status: criteria provided, single submitter. Criteria: Ambry Variant Classification Scheme 2023. Collection method: clinical testing. Allele origin: germline.
Comment: The p.L246S variant (also known as c.737T>C), located in coding exon 5 of the SLC5A7 gene, results from a T to C substitution at nucleotide position 737. The leucine at codon 246 is replaced by serine, an amino acid with dissimilar properties. This amino acid position is conserved. In addition, this alteration is predicted to be deleterious by in silico analysis. Since supporting evidence is limited at this time, the clinical significance of this alteration remains unclear.

NM_021815.5(SLC5A7):c.737T>C (p.Leu246Ser)

Gene: SLC5A7 (solute carrier family 5 member 7; plus strand). Cytogenetic location: 2q12.3.
Variant type: single nucleotide variant.
Coding change: c.737T>C on transcript NM_021815.5 (MANE Select); coding-DNA position 737, T replaced by C.
Protein change: p.Leu246Ser; replaces leucine 246 with serine.
Molecular consequence: missense variant. On other transcripts: 5 prime UTR variant (1).
Genome position (GRCh38, 1-based): chr2:108,002,036, T>C. VCF-style: chr2-108002036-T-C. GRCh37 (hg19) VCF-style: chr2-108618492-T-C.
Other names: c.737T>C, p.Leu246Ser (NM_001305005.3); c.422T>C, p.Leu141Ser (NM_001305006.3); c.-5T>C (NM_001305007.3); short protein forms L246S, L141S.
Identifiers: ClinVar variation 1758610 (VCV001758610.7), dbSNP rs575736868, ClinGen allele CA1819036.